The following is an entry in ClinVar:

NM_003900.5(SQSTM1):c.214G>A (p.Gly72Arg)

Gene: SQSTM1 (sequestosome 1; plus strand). Cytogenetic location: 5q35.3.
Variant type: single nucleotide variant.
Coding change: c.214G>A on transcript NM_003900.5 (MANE Select); coding-DNA position 214, G replaced by A.
Protein change: p.Gly72Arg; replaces glycine 72 with arginine.
Molecular consequence: missense variant. On other transcripts: 5 prime UTR variant (2).
Genome position (GRCh38, 1-based): chr5:179,822,966, G>A. VCF-style: chr5-179822966-G-A. GRCh37 (hg19) VCF-style: chr5-179249966-G-A.
Other names: c.-39G>A (NM_001142298.2, NM_001142299.2); short protein forms G72R.
Identifiers: ClinVar variation 958808 (VCV000958808.7), dbSNP rs376802604, ClinGen allele CA3600418.

ClinVar aggregate classification (germline): Uncertain significance. Review status: criteria provided, multiple submitters, no conflicts (2 of 4 stars). 2 submissions from 2 submitters: Uncertain significance (2). Last evaluated 2025-09-23.

Conditions:
Paget disease of bone 2, early-onset (PDB2). Also called: Paget disease of bone 2. Identifiers: MedGen C4085251, MONDO:0011183, OMIM 602080.
Frontotemporal dementia and/or amyotrophic lateral sclerosis 1 (FTDALS1). Also called: Frontotemporal dementia with motor neuron disease 1; C9orf72 Frontotemporal Dementia and/or Amyotrophic Lateral Sclerosis. Identifiers: Orphanet 275872, MedGen C5779877, MONDO:0007105, OMIM 105550.
SQSTM1-related disorder. Also called: SQSTM1-Related Disorders.

Allele frequency attached by ClinVar (database versions not stated): gnomAD exomes 0.00002; ExAC 0.00004; ESP Exome Variant Server 0.00008; TOPMed 0.00009; gnomAD 0.00011 and 0.00014.
gnomAD v4.1: 44 of 1,613,948 alleles (0.0027%); highest among the groups gnomAD compares: African/African-American, 0.039%; no homozygotes.

Submissions (2):

Labcorp Genetics (formerly Invitae), Labcorp
Classification: Uncertain significance for Paget disease of bone 2, early-onset; Frontotemporal dementia and/or amyotrophic lateral sclerosis 1. Last evaluated: 2025-09-23. Review status: criteria provided, single submitter. Criteria: Invitae Variant Classification Sherloc (09022015). Collection method: clinical testing. Allele origin: germline.
Comment: This sequence change replaces glycine, which is neutral and non-polar, with arginine, which is basic and polar, at codon 72 of the SQSTM1 protein (p.Gly72Arg). This variant is present in population databases (rs376802604, gnomAD 0.04%). This missense change has been observed in individual(s) with amyotrophic lateral sclerosis (PMID: 34275688). ClinVar contains an entry for this variant (Variation ID: 958808). Invitae Evidence Modeling of protein sequence and biophysical properties (such as structural, functional, and spatial information, amino acid conservation, physicochemical variation, residue mobility, and thermodynamic stability) indicates that this missense variant is not expected to disrupt SQSTM1 protein function with a negative predictive value of 80%. In summary, the available evidence is currently insufficient to determine the role of this variant in disease. Therefore, it has been classified as a Variant of Uncertain Significance.

PreventionGenetics, part of Exact Sciences
Classification: Uncertain significance for SQSTM1-related condition. Last evaluated: 2025-01-14. Review status: criteria provided, single submitter. Criteria: ACMG Guidelines, 2015. Collection method: clinical testing. Allele origin: germline.
Comment: The SQSTM1 c.214G>A variant is predicted to result in the amino acid substitution p.Gly72Arg. This variant has been reported in an individual with amyotrophic lateral sclerosis (Table S2 in Liu et al. 2021. PubMed ID: 34275688). This variant is reported in 0.040% of alleles in individuals of African descent in gnomAD. At this time, the clinical significance of this variant is uncertain due to the absence of conclusive functional and genetic evidence.

Literature cited by the submitters: PubMed 34275688 (cited by Labcorp Genetics (formerly Invitae), Labcorp).